The following is an entry in ClinVar:

ClinVar aggregate classification (germline): Uncertain significance (1 of 4 stars; one submission).

Conditions:
Combined oxidative phosphorylation defect type 14. Also called: Combined oxidative phosphorylation deficiency 14. Identifiers: Orphanet 319519, MedGen C4755312, MONDO:0013986, OMIM 614946.

Allele frequency attached by ClinVar (database versions not stated): gnomAD exomes below 0.00001.
gnomAD v4.1: 1 of 1,609,078 alleles (0.000062%); highest among the groups gnomAD compares: Non-Finnish European, 0.000085%; no homozygotes.

Submission:

Labcorp Genetics (formerly Invitae), Labcorp
Classification: Uncertain significance for Combined oxidative phosphorylation defect type 14. Last evaluated: 2024-10-07. Review status: criteria provided, single submitter. Criteria: Invitae Variant Classification Sherloc (09022015). Collection method: clinical testing. Allele origin: germline.
Comment: This sequence change replaces glutamic acid, which is acidic and polar, with glutamine, which is neutral and polar, at codon 219 of the FARS2 protein (p.Glu219Gln). This variant is not present in population databases (gnomAD no frequency). This variant has not been reported in the literature in individuals affected with FARS2-related conditions. ClinVar contains an entry for this variant (Variation ID: 1004291). Invitae Evidence Modeling of protein sequence and biophysical properties (such as structural, functional, and spatial information, amino acid conservation, physicochemical variation, residue mobility, and thermodynamic stability) has been performed for this missense variant. However, the output from this modeling did not meet the statistical confidence thresholds required to predict the impact of this variant on FARS2 protein function. In summary, the available evidence is currently insufficient to determine the role of this variant in disease. Therefore, it has been classified as a Variant of Uncertain Significance.

NM_006567.5(FARS2):c.655G>C (p.Glu219Gln)

Gene: FARS2 (phenylalanyl-tRNA synthetase 2, mitochondrial; plus strand). Cytogenetic location: 6p25.1.
Variant type: single nucleotide variant.
Coding change: c.655G>C on transcript NM_006567.5 (MANE Select); coding-DNA position 655, G replaced by C.
Protein change: p.Glu219Gln; replaces glutamic acid 219 with glutamine.
Molecular consequence: missense variant. On other transcripts: 5 prime UTR variant (2).
Genome position (GRCh38, 1-based): chr6:5,404,584, G>C. VCF-style: chr6-5404584-G-C. GRCh37 (hg19) VCF-style: chr6-5404817-G-C.
Other names: c.655G>C, p.Glu219Gln (NM_001374876.1, NM_001374877.1, NM_001374878.1 and 5 more transcripts); c.-42G>C (NM_001375259.1, NM_001375260.1); short protein forms E219Q.
Identifiers: ClinVar variation 1004291 (VCV001004291.8), dbSNP rs1562015386, ClinGen allele CA362735766.